The following is an entry in ClinVar:

NM_006361.6(HOXB13):c.216dup (p.Thr73fs)

Gene: HOXB13 (homeobox B13; minus strand). Cytogenetic location: 17q21.32.
Variant type: Duplication.
Coding change: c.216dup on transcript NM_006361.6 (MANE Select); coding-DNA position 216, one base duplicated (G; older notation c.216dupG).
Protein change: p.Thr73fs; shifts the reading frame from threonine 73.
Molecular consequence: frameshift variant.
Genome position (GRCh38, 1-based): chr17:48,728,378, C duplicated on the plus strand (G on the coding strand, the reverse complement: HOXB13 is on the minus strand); the first of 4 consecutive C bases (chr17:48,728,378-48,728,381); duplicating any one gives the same sequence. VCF-style (leftmost placement, unchanged base first): chr17-48728377-T-TC. GRCh37 (hg19) VCF-style: chr17-46805739-T-TC.
Other names: c.216_217insG (NM_006361.5); short protein forms T73fs.
Identifiers: ClinVar variation 690633 (VCV000690633.6), dbSNP rs1597934769, ClinGen allele CA915950454.

ClinVar aggregate classification (germline): Uncertain significance. Review status: criteria provided, single submitter (1 of 4 stars). 2 submissions from 2 submitters: Uncertain significance (1). 1 of the submissions does not count toward it. Last evaluated 2018-07-12.

Conditions:
Hereditary cancer-predisposing syndrome. Also called: Neoplastic Syndromes, Hereditary; Tumor predisposition; Hereditary neoplastic syndrome; Hereditary Cancer Syndrome. Identifiers: Orphanet 140162, MedGen C0027672, MeSH D009386, MONDO:0015356.
Prostate cancer, hereditary, 1 (HPC1). Identifiers: Orphanet 1331, MedGen C4722327, MONDO:0011098, OMIM 601518.

Submissions (2):

Ambry Genetics
Classification: Uncertain significance for Hereditary cancer-predisposing syndrome. Last evaluated: 2018-07-12. Review status: criteria provided, single submitter. Criteria: Ambry Variant Classification Scheme 2023. Collection method: clinical testing. Allele origin: germline.
Comment: The c.216dupG variant, located in coding exon 1 of the HOXB13 gene, results from a duplication of G at nucleotide position 216, causing a translational frameshift with a predicted alternate stop codon (p.T73Dfs*54). This alteration is expected to result in premature protein truncation or nonsense-mediated mRNA decay. However, loss of function via haploinsufficiency in HOXB13 has not been clearly established as a mechanism of disease. Since supporting evidence is limited at this time, the clinical significance of this alteration remains unclear.

Laboratory of Virology, Microbiology,  Quality and Medical Biotechnologies, Faculty of Sciences and Techniques - Mohammedia, Hassan II University of Casablanca
Classification: Uncertain significance for Prostate cancer, hereditary, 1. Review status: no assertion criteria provided. Collection method: clinical testing. Allele origin: somatic. Affected: yes. Not counted in ClinVar's aggregate classification.